The following is an entry in ClinVar:

ClinVar aggregate classification (germline): Uncertain significance (1 of 4 stars; one submission).

Conditions:
Duchenne muscular dystrophy (DMD). Also called: MUSCULAR DYSTROPHY, PSEUDOHYPERTROPHIC PROGRESSIVE, DUCHENNE TYPE; Duchenne Muscular Dystrophy (DMD). Identifiers: Orphanet 98896, MedGen C0013264, MONDO:0010679, OMIM 310200.

Submission:

Labcorp Genetics (formerly Invitae), Labcorp
Classification: Uncertain significance for Duchenne muscular dystrophy. Last evaluated: 2025-04-07. Review status: criteria provided, single submitter. Criteria: Invitae Variant Classification Sherloc (09022015). Collection method: clinical testing. Allele origin: germline.
Comment: This sequence change replaces lysine, which is basic and polar, with threonine, which is neutral and polar, at codon 2304 of the DMD protein (p.Lys2304Thr). This variant is not present in population databases (gnomAD no frequency). This variant has not been reported in the literature in individuals affected with DMD-related conditions. ClinVar contains an entry for this variant (Variation ID: 1720462). An algorithm developed to predict the effect of missense changes on protein structure and function (PolyPhen-2) suggests that this variant is likely to be disruptive. Algorithms developed to predict the effect of sequence changes on RNA splicing suggest that this variant may disrupt the consensus splice site. In summary, the available evidence is currently insufficient to determine the role of this variant in disease. Therefore, it has been classified as a Variant of Uncertain Significance.

NM_004006.3(DMD):c.6911A>C (p.Lys2304Thr)

Gene: DMD (dystrophin; minus strand). Cytogenetic location: Xp21.1.
Variant type: single nucleotide variant.
Coding change: c.6911A>C on transcript NM_004006.3 (MANE Select); coding-DNA position 6911, A replaced by C.
Protein change: p.Lys2304Thr; replaces lysine 2304 with threonine.
Molecular consequence: missense variant. On other transcripts: 5 prime UTR variant (5).
Genome position (GRCh38, 1-based): chrX:31,929,597, T>G on the plus strand (A>C on the coding strand, the complement: DMD is on the minus strand). VCF-style: chrX-31929597-T-G. GRCh37 (hg19) VCF-style: chrX-31947714-T-G.
Other names: c.6887A>C, p.Lys2296Thr (NM_000109.4); c.6899A>C, p.Lys2300Thr (NM_004009.3); c.6542A>C, p.Lys2181Thr (NM_004010.3); c.2888A>C, p.Lys963Thr (NM_004011.4); c.2879A>C, p.Lys960Thr (NM_004012.4); c.-470A>C (NM_004013.3, NM_004020.4, NM_004021.3 and 2 more transcripts); short protein forms K2181T, K2296T, K2300T, K2304T, K960T, K963T.
Identifiers: ClinVar variation 1720462 (VCV001720462.6), dbSNP rs1569515455, ClinGen allele CA412657754.